The following is an entry in ClinVar:

ClinVar aggregate classification (germline): Uncertain significance (1 of 4 stars; one submission).

Submission:

Women's Health and Genetics/Laboratory Corporation of America, LabCorp
Classification: Uncertain significance. Last evaluated: 2021-01-15. Review status: criteria provided, single submitter. Criteria: LabCorp Variant Classification Summary - May 2015. Collection method: clinical testing. Allele origin: germline.
Comment: Variant summary: HBB c.282T>G (p.Cys94Trp), also known as Hb Santa Giusta Sardegna, results in a non-conservative amino acid change located in the Globin domain (IPR000971) of the encoded protein sequence. Five of five in-silico tools predict a damaging effect of the variant on protein function. The variant was absent in 251422 control chromosomes. c.282T>G has been reported in the literature in at-least three carrier individuals from a family affected with increased hemoglobin levels (erythrocytosis) but normal MCV and MCH values (Fais_2012). These report(s) do not provide unequivocal conclusions about association of the variant with Hemoglobinopathy. At least one publication reports experimental evidence evaluating an impact on protein function (Fais_2012). The most pronounced variant effect results in a high oxygen affinity unstable hemoglobin. As a high affinity for oxygen can physiologically result in impaired oxygen delivery to tissues, thereby stimulating erythropoietin production and an increased red cell mass, this finding is consistent with the finding of an increased hemoglobin level in the reported cases. No clinical diagnostic laboratories have submitted clinical-significance assessments for this variant to ClinVar after 2014. Based on the evidence outlined above, the variant was classified as VUS-possibly pathogenic.

Literature cited by the submitters: PubMed 17932132; PubMed 22217259.

NM_000518.5(HBB):c.282T>G (p.Cys94Trp)

Genes: HBB (hemoglobin subunit beta; minus strand), LOC106099062 (HBB recombination region; plus strand), LOC107133510 (origin of replication at HBB; plus strand). Cytogenetic location: 11p15.4.
Variant type: single nucleotide variant.
Coding change: c.282T>G on transcript NM_000518.5 (MANE Select); coding-DNA position 282, T replaced by G.
Protein change: p.Cys94Trp; replaces cysteine 94 with tryptophan.
Molecular consequence: missense variant.
Genome position (GRCh38, 1-based): chr11:5,226,610, A>C on the plus strand (T>G on the coding strand, the complement: HBB is on the minus strand). VCF-style: chr11-5226610-A-C. GRCh37 (hg19) VCF-style: chr11-5247840-A-C.
Other names: short protein forms C94W.
Identifiers: ClinVar variation 996273 (VCV000996273.1), dbSNP rs1847552343, ClinGen allele CA379273784.
Genomic context (GRCh38, chr11:5,226,610, plus strand): 5'-AAAACATCAAGCGTCCCATAGACTCACCCTGAAGTTCTCAGGATCCACGTGCAGCTTGTC[A>C]CAGTGCAGCTCACTCAGTGTGGCAAAGGTGCCCTTGAGGTTGTCCAGGTGAGCCAGGCCA-3'
Protein context (NP_000509.1, residues 84-104): GTFATLSELH[Cys94Trp]DKLHVDPENF